The following is an entry in ClinVar:

NM_002875.5(RAD51):c.779G>A (p.Gly260Asp)

Gene: RAD51 (RAD51 recombinase; plus strand). Cytogenetic location: 15q15.1.
Variant type: single nucleotide variant.
Coding change: c.779G>A on transcript NM_002875.5 (MANE Select); coding-DNA position 779, G replaced by A.
Protein change: p.Gly260Asp; replaces glycine 260 with aspartic acid.
Molecular consequence: missense variant. On other transcripts: intron variant (1).
Genome position (GRCh38, 1-based): chr15:40,729,857, G>A. VCF-style: chr15-40729857-G-A. GRCh37 (hg19) VCF-style: chr15-41022055-G-A.
Other names: c.782G>A, p.Gly261Asp (NM_001164269.2, NM_133487.4); c.774+223G>A (NM_001164270.2); short protein forms G260D, G261D.
Identifiers: ClinVar variation 2560847 (VCV002560847.2), dbSNP rs2504531522, ClinGen allele CA391759530.

ClinVar aggregate classification (germline): Uncertain significance (1 of 4 stars; one submission).

Conditions:
Inborn genetic diseases. Identifiers: MedGen C0950123, MeSH D030342.

Submission:

Ambry Genetics
Classification: Uncertain significance for Inborn genetic diseases. Last evaluated: 2023-03-24. Review status: criteria provided, single submitter. Criteria: Ambry Variant Classification Scheme 2023. Collection method: clinical testing. Allele origin: germline.
Comment: The p.G260D variant (also known as c.779G>A), located in coding exon 8 of the RAD51 gene, results from a G to A substitution at nucleotide position 779. The glycine at codon 260 is replaced by aspartic acid, an amino acid with similar properties. This amino acid position is conserved. In addition, this alteration is predicted to be deleterious by in silico analysis. Since supporting evidence is limited at this time, the clinical significance of this alteration remains unclear.